The following is an entry in ClinVar:

ClinVar aggregate classification (germline): Conflicting classifications of pathogenicity. Review status: criteria provided, conflicting classifications (1 of 4 stars). 8 submissions from 8 submitters: Uncertain significance (7); Likely benign (1). Last evaluated 2026-07-06.

Conditions:
Dilated cardiomyopathy 1AA (CMD1AA). Also called: CARDIOMYOPATHY, DILATED, 1AA, WITH OR WITHOUT LEFT VENTRICULAR NONCOMPACTION; CARDIOMYOPATHY, FAMILIAL HYPERTROPHIC, 23, WITH OR WITHOUT LEFT VENTRICULAR NONCOMPACTION; Cardiomyopathy, dilated, 1AA, with or without LVNC. Identifiers: Orphanet 154, MedGen C2677338, MONDO:0012808, OMIM 612158.
Cardiovascular phenotype. Identifiers: MedGen CN230736.
Primary familial hypertrophic cardiomyopathy (HCM). Identifiers: Orphanet 99739, MedGen C0949658, MeSH D024741, MONDO:0024573. Inheritance: Various modes of inheritance.
Cardiomyopathy (CMYO). Also called: Cardiomyopathies. Identifiers: Orphanet 167848, MedGen C0878544, MONDO:0004994, HP:0001638. Inheritance: Various modes of inheritance.
ACTN2-related disorder. Also called: ACTN2-related disorders; ACTN2 related condition.

Allele frequency attached by ClinVar (database versions not stated): ExAC 0.00001; gnomAD exomes 0.00002; TOPMed 0.00002.
gnomAD v4.1: 52 of 1,613,924 alleles (0.0032%); highest among the groups gnomAD compares: Non-Finnish European, 0.0041%; no homozygotes.

Submissions (8):

PreventionGenetics, part of Exact Sciences
Classification: Uncertain significance for ACTN2-related condition. Last evaluated: 2026-07-06. Review status: criteria provided, single submitter. Criteria: ACMG Guidelines, 2015. Collection method: clinical testing. Allele origin: germline.
Comment: The ACTN2 c.646A>G variant is predicted to result in the amino acid substitution p.Met216Val. This variant has been reported in individuals with dilated cardiomyopathy (Table S3, Mazzarotto et al. 2020. PubMed ID: 31983221; Table S5, Perret et al. 2023. PubMed ID: 37904629). This variant is reported in 0.0065% of alleles in individuals of South Asian descent in gnomAD. At this time, the clinical significance of this variant is uncertain due to the absence of conclusive functional and genetic evidence.

Labcorp Genetics (formerly Invitae), Labcorp
Classification: Uncertain significance for Primary familial hypertrophic cardiomyopathy; Dilated cardiomyopathy 1AA. Last evaluated: 2024-12-02. Review status: criteria provided, single submitter. Criteria: Invitae Variant Classification Sherloc (09022015). Collection method: clinical testing. Allele origin: germline.
Comment: This sequence change replaces methionine, which is neutral and non-polar, with valine, which is neutral and non-polar, at codon 216 of the ACTN2 protein (p.Met216Val). This variant is present in population databases (rs749019847, gnomAD 0.006%). This missense change has been observed in individual(s) with dilated cardiomyopathy (PMID: 31983221). ClinVar contains an entry for this variant (Variation ID: 296499). Invitae Evidence Modeling of protein sequence and biophysical properties (such as structural, functional, and spatial information, amino acid conservation, physicochemical variation, residue mobility, and thermodynamic stability) indicates that this missense variant is expected to disrupt ACTN2 protein function with a positive predictive value of 80%. In summary, the available evidence is currently insufficient to determine the role of this variant in disease. Therefore, it has been classified as a Variant of Uncertain Significance.

Ambry Genetics
Classification: Uncertain significance for Cardiovascular phenotype. Last evaluated: 2024-04-08. Review status: criteria provided, single submitter. Criteria: Ambry Variant Classification Scheme 2023. Collection method: clinical testing. Allele origin: germline.
Comment: The p.M216V variant (also known as c.646A>G), located in coding exon 7 of the ACTN2 gene, results from an A to G substitution at nucleotide position 646. The methionine at codon 216 is replaced by valine, an amino acid with highly similar properties. This variant has been detected in individuals from dilated cardiomyopathy cohorts; however, clinical details were limited (Mazzarotto F et al. Circulation, 2020 02;141:387-398; Perret C et al. Clin Genet. 2024 Feb;105(2):185-189). This amino acid position is not well conserved in available vertebrate species. In addition, this alteration is predicted to be tolerated by in silico analysis. Since supporting evidence is limited at this time, the clinical significance of this alteration remains unclear.

Revvity Omics, Revvity
Classification: Uncertain significance. Last evaluated: 2024-03-18. Review status: criteria provided, single submitter. Criteria: ACMG Guidelines, 2015. Collection method: clinical testing. Allele origin: germline.

Blueprint Genetics
Classification: Likely benign. Last evaluated: 2022-08-02. Review status: criteria provided, single submitter. Criteria: ACMG Guidelines, 2015. Collection method: clinical testing. Allele origin: germline.

Victorian Clinical Genetics Services, Murdoch Childrens Research Institute
Classification: Uncertain significance for Dilated cardiomyopathy 1AA. Last evaluated: 2022-02-02. Review status: criteria provided, single submitter. Criteria: ACMG Guidelines, 2015. Collection method: clinical testing. Allele origin: germline. Inheritance: Autosomal dominant inheritance. Affected: yes.
Comment: Based on the classification scheme VCGS_Germline_v1.3.4, this variant is classified as VUS-3B. Following criteria are met: 0102 - Loss of function is a known mechanism of disease in this gene and is associated with ACTN2-related disease (OMIM). A loss of function mechanism has been described for several missense variants, however dominant negative is also strongly suspected (PMID: 27287556, Lindholm, ME. et al. (2020)). (I) 0107 - This gene is associated with autosomal dominant disease. (I) 0200 - Variant is predicted to result in a missense amino acid change from methionine to valine. (I) 0251 - This variant is heterozygous. (I) 0302 - Variant is present in gnomAD (v2) <0.001 for a dominant condition (6 heterozygotes, 0 homozygotes). (SP) 0503 - Missense variant consistently predicted to be tolerated by multiple in silico tools or not conserved in placental mammals with a minor amino acid change. (SB) 0600 - Variant is located in the annotated calponin-homology domain in an actin-binding region (UniProt). (I) 0705 - No comparable missense variants have previous evidence for pathogenicity. (I) 0809 - Previous evidence of pathogenicity for this variant is inconclusive. This variant has two VUS entries in ClinVar. (I) 0905 - No published segregation evidence has been identified for this variant. (I) 1007 - No published functional evidence has been identified for this variant. (I) 1208 - Inheritance information for this variant is not currently available in this individual. (I) Legend: (SP) - Supporting pathogenic, (I) - Information, (SB) - Supporting benign

CHEO Genetics Diagnostic Laboratory, Children's Hospital of Eastern Ontario
Classification: Uncertain significance for Cardiomyopathy. Last evaluated: 2020-12-07. Review status: criteria provided, single submitter. Criteria: ACMG Guidelines, 2015. Collection method: clinical testing. Allele origin: germline.

Illumina Laboratory Services, Illumina
Classification: Uncertain significance for Dilated cardiomyopathy 1AA. Last evaluated: 2018-01-13. Review status: criteria provided, single submitter. Criteria: ICSL Variant Classification Criteria 13 December 2019. Collection method: clinical testing. Allele origin: germline.

Literature cited by the submitters: PubMed 31983221 (cited by Labcorp Genetics (formerly Invitae), Labcorp and Ambry Genetics); PubMed 37904629 (cited by Ambry Genetics); PubMed 27287556 (cited by Victorian Clinical Genetics Services, Murdoch Childrens Research Institute).

NM_001103.4(ACTN2):c.646A>G (p.Met216Val)

Gene: ACTN2 (actinin alpha 2; plus strand). Cytogenetic location: 1q43.
Variant type: single nucleotide variant.
Coding change: c.646A>G on transcript NM_001103.4 (MANE Select); coding-DNA position 646, A replaced by G.
Protein change: p.Met216Val; replaces methionine 216 with valine.
Molecular consequence: missense variant. On other transcripts: 5 prime UTR variant (1).
Genome position (GRCh38, 1-based): chr1:236,731,263, A>G. VCF-style: chr1-236731263-A-G. GRCh37 (hg19) VCF-style: chr1-236894563-A-G.
Other names: c.646A>G, p.Met216Val (NM_001278343.2); c.-176A>G (NM_001278344.2); short protein forms M216V.
Identifiers: ClinVar variation 296499 (VCV000296499.23), dbSNP rs749019847, ClinGen allele CA1472873.
Genomic context (GRCh38, chr1:236,731,263, plus strand): 5'-AAAAATCTGACTGTCTTGGTTTTCATACAGGATGACCCCATAGGAAATATTAACCTGGCC[A>G]TGGAAATCGCTGAGAAGCACCTGGATATTCCTAAAATGTTGGATGCTGAAGGTGAGATGA-3'
Protein context (NP_001094.1, residues 206-226): DDPIGNINLA[Met216Val]EIAEKHLDIP